The following is an entry in ClinVar:

ClinVar aggregate classification (germline): Uncertain significance (1 of 4 stars; one submission).

Conditions:
Leukodystrophy, hypomyelinating, 7, with or without oligodontia and/or hypogonadotropic hypogonadism (HLD7). Also called: LEUKOENCEPHALOPATHY, HYPOMYELINATING, WITH ATAXIA AND DELAYED DENTITION; ATAXIA, DELAYED DENTITION, AND HYPOMYELINATION; LEUKODYSTROPHY, HYPOMYELINATING, 7, WITH OLIGODONTIA; LEUKODYSTROPHY, HYPOMYELINATING, 7, WITH OLIGODONTIA AND HYPOGONADOTROPIC HYPOGONADISM; LEUKODYSTROPHY, HYPOMYELINATING, 7, WITHOUT OLIGODONTIA OR HYPOGONADOTROPIC HYPOGONADISM; Ataxia, Delayed Dentition and Hypomyelination (ADDH). Identifiers: Orphanet 137639, Orphanet 447893, Orphanet 447896, Orphanet 77295, Orphanet 88637, MedGen CN034185, MONDO:0011897, OMIM 607694.
Neonatal pseudo-hydrocephalic progeroid syndrome. Also called: Wiedemann-Rautenstrauch syndrome. Identifiers: Orphanet 3455, MedGen C0406586, MONDO:0009910, OMIM 264090.

Submission:

Juno Genomics, Hangzhou Juno Genomics, Inc
Classification: Uncertain significance for Neonatal pseudo-hydrocephalic progeroid syndrome; Leukodystrophy, hypomyelinating, 7, with or without oligodontia and/or hypogonadotropic hypogonadism. Review status: criteria provided, single submitter. Criteria: ACMG Guidelines, 2015. Collection method: clinical testing. Allele origin: germline.
Comment: Absent from controls (or at extremely low frequency if recessive) in Genome Aggregation Database.;Missense variant in a gene that has a low rate of benign missense variation.

NM_007055.4(POLR3A):c.725C>T (p.Pro242Leu)

Gene: POLR3A (RNA polymerase III subunit A; minus strand). Cytogenetic location: 10q22.3.
Variant type: single nucleotide variant.
Coding change: c.725C>T on transcript NM_007055.4 (MANE Select); coding-DNA position 725, C replaced by T.
Protein change: p.Pro242Leu; replaces proline 242 with leucine.
Molecular consequence: missense variant.
Genome position (GRCh38, 1-based): chr10:78,022,305, G>A on the plus strand (C>T on the coding strand, the complement: POLR3A is on the minus strand). VCF-style: chr10-78022305-G-A. GRCh37 (hg19) VCF-style: chr10-79782063-G-A.
Other names: short protein forms P242L.
Identifiers: ClinVar variation 5018967 (VCV005018967.2).